The following is an entry in ClinVar:

NM_000090.4(COL3A1):c.529G>A (p.Gly177Ser)

Gene: COL3A1 (collagen type III alpha 1 chain; plus strand). Cytogenetic location: 2q32.2.
Variant type: single nucleotide variant.
Coding change: c.529G>A on transcript NM_000090.4 (MANE Select); coding-DNA position 529, G replaced by A.
Protein change: p.Gly177Ser; replaces glycine 177 with serine.
Molecular consequence: missense variant.
Genome position (GRCh38, 1-based): chr2:188,988,081, G>A. VCF-style: chr2-188988081-G-A. GRCh37 (hg19) VCF-style: chr2-189852807-G-A.
Other names: short protein forms G177S.
Identifiers: ClinVar variation 2791562 (VCV002791562.3), dbSNP rs2469113266, ClinGen allele CA349848208.

ClinVar aggregate classification (germline): Likely pathogenic (1 of 4 stars; one submission).

Conditions:
Ehlers-Danlos syndrome, type 4 (EDSVASC). Also called: Ehlers-Danlos Syndrome Type IV; Ehlers-Danlos syndrome vascular type; Ehlers Danlos syndrome, ecchymotic type; Ehlers Danlos syndrome, arterial type; Ehlers Danlos syndrome, Sack-Barabas type. Identifiers: Orphanet 286, MedGen C0268338, MONDO:0017314, OMIM 130050.

Submission:

Labcorp Genetics (formerly Invitae), Labcorp
Classification: Likely pathogenic for Ehlers-Danlos syndrome, type 4. Last evaluated: 2025-10-13. Review status: criteria provided, single submitter. Criteria: Invitae Variant Classification Sherloc (09022015). Collection method: clinical testing. Allele origin: germline.
Comment: This sequence change replaces glycine, which is neutral and non-polar, with serine, which is neutral and polar, at codon 177 of the COL3A1 protein (p.Gly177Ser). This variant is not present in population databases (gnomAD no frequency). This variant has not been reported in the literature in individuals affected with COL3A1-related conditions. ClinVar contains an entry for this variant (Variation ID: 2791562). Experimental studies and prediction algorithms are not available or were not evaluated, and the functional significance of this variant is currently unknown. This variant disrupts the triple helix domain of COL3A1. Glycine residues within the Gly-Xaa-Yaa repeats of the triple helix domain are required for the structure and stability of fibrillar collagens (PMID: 7695699, 8218237, 19344236). In COL3A1, variants that affect these glycine residues are significantly enriched in individuals with disease (PMID: 24922459, 25758994) compared to the general population (ExAC). In summary, the currently available evidence indicates that the variant is pathogenic, but additional data are needed to prove that conclusively. Therefore, this variant has been classified as Likely Pathogenic.

Literature cited by the submitters: PubMed 7695699; PubMed 8218237; PubMed 19344236; PubMed 24922459; PubMed 25758994.